The following is an entry in ClinVar:

NM_020461.4(TUBGCP6):c.3137C>A (p.Thr1046Asn)

Gene: TUBGCP6 (tubulin gamma complex component 6; minus strand). Cytogenetic location: 22q13.33.
Variant type: single nucleotide variant.
Coding change: c.3137C>A on transcript NM_020461.4 (MANE Select); coding-DNA position 3137, C replaced by A.
Protein change: p.Thr1046Asn; replaces threonine 1046 with asparagine.
Molecular consequence: missense variant.
Genome position (GRCh38, 1-based): chr22:50,221,222, G>T on the plus strand (C>A on the coding strand, the complement: TUBGCP6 is on the minus strand). VCF-style: chr22-50221222-G-T. GRCh37 (hg19) VCF-style: chr22-50659651-G-T.
Other names: short protein forms T1046N.
Identifiers: ClinVar variation 1385834 (VCV001385834.6), dbSNP rs2064517384, ClinGen allele CA412184686.

ClinVar aggregate classification (germline): Uncertain significance (1 of 4 stars; one submission).

Submission:

Labcorp Genetics (formerly Invitae), Labcorp
Classification: Uncertain significance. Last evaluated: 2021-10-10. Review status: criteria provided, single submitter. Criteria: Invitae Variant Classification Sherloc (09022015). Collection method: clinical testing. Allele origin: germline.
Comment: This variant has not been reported in the literature in individuals affected with TUBGCP6-related conditions. This variant is not present in population databases (ExAC no frequency). This sequence change replaces threonine with asparagine at codon 1046 of the TUBGCP6 protein (p.Thr1046Asn). The threonine residue is weakly conserved and there is a small physicochemical difference between threonine and asparagine. Algorithms developed to predict the effect of missense changes on protein structure and function (SIFT, PolyPhen-2, Align-GVGD) all suggest that this variant is likely to be tolerated. In summary, the available evidence is currently insufficient to determine the role of this variant in disease. Therefore, it has been classified as a Variant of Uncertain Significance.